The following is an entry in ClinVar:

ClinVar aggregate classification (germline): Likely benign. Review status: criteria provided, multiple submitters, no conflicts (2 of 4 stars). 3 submissions from 3 submitters: Likely benign (3). Last evaluated 2025-03-04.

Conditions:
Juvenile polyposis syndrome (JPS). Identifiers: Orphanet 2929, MedGen C0345893, MONDO:0017380, OMIM 174900.

Submissions (3):

Center for Genomic Medicine, Rigshospitalet, Copenhagen University Hospital
Classification: Likely benign. Last evaluated: 2025-03-04. Review status: criteria provided, single submitter. Criteria: ACMG Guidelines, 2015. Collection method: clinical testing. Allele origin: germline.

Myriad Genetics, Inc.
Classification: Likely benign for Juvenile polyposis syndrome. Last evaluated: 2024-07-31. Review status: criteria provided, single submitter. Criteria: Myriad Autosomal Dominant, Autosomal Recessive and X-Linked Classification Criteria (2023). Collection method: clinical testing. Allele origin: unknown.
Comment: This variant is considered likely benign. This variant is intronic and is not expected to impact mRNA splicing.

GeneDx
Classification: Likely benign. Last evaluated: 2020-11-27. Review status: criteria provided, single submitter. Criteria: GeneDx Variant Classification Process June 2021. Collection method: clinical testing. Allele origin: germline. Affected: yes.

NM_004329.3(BMPR1A):c.231-33TGTTT[5]

Gene: BMPR1A (bone morphogenetic protein receptor type 1A; plus strand). Cytogenetic location: 10q23.2.
Variant type: Microsatellite.
Coding change: c.231-33TGTTT[5] on transcript NM_004329.3 (MANE Select); five copies in a row of the 5-base unit TGTTT starting at c.231-33.
Molecular consequence: intron variant.
Genome position: GRCh38 VCF-style: chr10-86892093-A-ATGTTT. GRCh37 (hg19) VCF-style: chr10-88651850-A-ATGTTT.
Other names: c.231-17_231-13dupGTTTT (NM_004329.2, NM_004329.3).
Identifiers: ClinVar variation 421674 (VCV000421674.10), dbSNP rs772231659, ClinGen allele CA5585455.
Genomic context (GRCh38, chr10:86,892,093, plus strand): 5'-GGCCATCTGTACCTGTTCACATTCAGACTCAAATTTCGTTAGTACTTTCTATGTGAATTT[A>ATGTTT]TGTTTTGTTTTGTTTTGTTTTTTTCTGTTTTAGAACTAATGGACATTGCTTTGCCATCAT-3'